The following is an entry in ClinVar:

ClinVar aggregate classification (germline): Uncertain significance (1 of 4 stars; one submission).

Conditions:
Hereditary sensory and autonomic neuropathy type 6. Also called: Neuropathy, hereditary sensory and autonomic, type VI; HSAN VI. Identifiers: Orphanet 314381, MedGen C3539003, MONDO:0013839, OMIM 614653.
Epidermolysis bullosa simplex 3, localized or generalized intermediate, with BP230 deficiency (EBS3). Also called: Epidermolysis bullosa simplex due to BP230 deficiency; Epidermolysis bullosa simplex, autosomal recessive 2. Identifiers: Orphanet 412181, MedGen C3809470, MONDO:0014180, OMIM 615425.

Allele frequency attached by ClinVar (database versions not stated): gnomAD exomes below 0.00001 and 0.00001; ExAC 0.00002; gnomAD 0.00003; TOPMed 0.00003; 1000 Genomes Project 30x 0.00016; 1000 Genomes Project 0.00020.
gnomAD v4.1: 8 of 1,580,562 alleles (0.00051%); highest among the groups gnomAD compares: African/African-American, 0.011%; no homozygotes.

Submission:

Labcorp Genetics (formerly Invitae), Labcorp
Classification: Uncertain significance for Epidermolysis bullosa simplex 3, localized or generalized intermediate, with BP230 deficiency; Hereditary sensory and autonomic neuropathy type 6. Last evaluated: 2021-09-25. Review status: criteria provided, single submitter. Criteria: Invitae Variant Classification Sherloc (09022015). Collection method: clinical testing. Allele origin: germline.
Comment: This sequence change replaces glutamic acid with aspartic acid at codon 4513 of the DST protein (p.Glu4513Asp). The DST gene has multiple clinically relevant transcripts. This variant occurs in alternate transcript NM_015548.4, and corresponds to NM_001723.5:c.*133344G>C in the primary transcript. This variant is present in population databases (rs558400217, ExAC 0.02%). This variant has not been reported in the literature in individuals affected with DST-related conditions. Experimental studies and prediction algorithms are not available or were not evaluated, and the functional significance of this variant is currently unknown. In summary, the available evidence is currently insufficient to determine the role of this variant in disease. Therefore, it has been classified as a Variant of Uncertain Significance.

NM_001374736.1(DST):c.21408G>C (p.Glu7136Asp)

Gene: DST (dystonin; minus strand). Cytogenetic location: 6p12.1.
Variant type: single nucleotide variant.
Coding change: c.21408G>C on transcript NM_001374736.1 (MANE Select); coding-DNA position 21408, G replaced by C.
Protein change: p.Glu7136Asp; replaces glutamic acid 7136 with aspartic acid.
Molecular consequence: missense variant.
Genome position (GRCh38, 1-based): chr6:56,482,173, C>G on the plus strand (G>C on the coding strand, the complement: DST is on the minus strand). VCF-style: chr6-56482173-C-G. GRCh37 (hg19) VCF-style: chr6-56346971-C-G.
Other names: c.15051G>C, p.Glu5017Asp (NM_001144769.5); c.14637G>C, p.Glu4879Asp (NM_001144770.2); c.21408G>C, p.Glu7136Asp (NM_001374722.1); c.20448G>C, p.Glu6816Asp (NM_001374729.1); c.14190G>C, p.Glu4730Asp (NM_001374730.1); c.21435G>C, p.Glu7145Asp (NM_001374734.1); c.14517G>C, p.Glu4839Asp (NM_001386100.1, NM_183380.4); c.13539G>C, p.Glu4513Asp (NM_015548.5); short protein forms E4730D, E6816D, E7145D, E4513D, E4839D, E5017D, E4879D, E7136D.
Identifiers: ClinVar variation 1401191 (VCV001401191.3), dbSNP rs558400217, ClinGen allele CA3866483.
Genomic context (GRCh38, chr6:56,482,173, plus strand): 5'-CAGGGTTTGCTCCGCCTCAGCCAGCCACTCCAAGAGGGCATGTACCACCGAGTGGAATTC[C>G]TCTGCCTAAGAGTTCACACACACACACACCCCAAACAAAATTCCCAAATATGCCTGTTAG-3'
Protein context (NP_001361665.1, residues 7126-7146): TRLEAALRQA[Glu7136Asp]EFHSVVHALL